The following is an entry in ClinVar:

NM_002299.4(LCT):c.928C>T (p.Leu310Phe)

Genes: LCT (lactase; minus strand), LCT-AS1 (LCT antisense RNA 1; plus strand). Cytogenetic location: 2q21.3.
Variant type: single nucleotide variant.
Coding change: c.928C>T on transcript NM_002299.4 (MANE Select); coding-DNA position 928, C replaced by T.
Protein change: p.Leu310Phe; replaces leucine 310 with phenylalanine.
Molecular consequence: missense variant. On other transcripts: non-coding transcript variant (1).
Genome position (GRCh38, 1-based): chr2:135,822,078, G>A on the plus strand (C>T on the coding strand, the complement: LCT is on the minus strand). VCF-style: chr2-135822078-G-A. GRCh37 (hg19) VCF-style: chr2-136579648-G-A.
Other names: short protein forms L310F.
Identifiers: ClinVar variation 3607575 (VCV003607575.2).

ClinVar aggregate classification (germline): Uncertain significance (1 of 4 stars; one submission).

gnomAD v4.1: 27 of 1,602,468 alleles (0.0017%); highest among the groups gnomAD compares: African/African-American, 0.0027%; no homozygotes.

Submission:

Labcorp Genetics (formerly Invitae), Labcorp
Classification: Uncertain significance. Last evaluated: 2024-04-03. Review status: criteria provided, single submitter. Criteria: Invitae Variant Classification Sherloc (09022015). Collection method: clinical testing. Allele origin: germline.
Comment: This sequence change replaces leucine, which is neutral and non-polar, with phenylalanine, which is neutral and non-polar, at codon 310 of the LCT protein (p.Leu310Phe). This variant is present in population databases (rs771272642, gnomAD 0.005%). This variant has not been reported in the literature in individuals affected with LCT-related conditions. Algorithms developed to predict the effect of missense changes on protein structure and function output the following: SIFT: "Not Available"; PolyPhen-2: "Benign"; Align-GVGD: "Not Available". The phenylalanine amino acid residue is found in multiple mammalian species, which suggests that this missense change does not adversely affect protein function. In summary, the available evidence is currently insufficient to determine the role of this variant in disease. Therefore, it has been classified as a Variant of Uncertain Significance.